The following is an entry in ClinVar:

NM_000179.3(MSH6):c.2213T>C (p.Val738Ala)

Gene: MSH6 (mutS homolog 6; plus strand). Cytogenetic location: 2p16.3.
Variant type: single nucleotide variant.
Coding change: c.2213T>C on transcript NM_000179.3 (MANE Select); coding-DNA position 2213, T replaced by C.
Protein change: p.Val738Ala; replaces valine 738 with alanine.
Molecular consequence: missense variant.
Genome position (GRCh38, 1-based): chr2:47,800,196, T>C. VCF-style: chr2-47800196-T-C. GRCh37 (hg19) VCF-style: chr2-48027335-T-C.
Other names: c.1823T>C, p.Val608Ala (NM_001281492.2); c.1307T>C, p.Val436Ala (NM_001281493.2, NM_001281494.2); short protein forms V738A, V436A, V608A.
Identifiers: ClinVar variation 1424982 (VCV001424982.7), dbSNP rs1572726232, ClinGen allele CA346752392.
Genomic context (GRCh38, chr2:47,800,196, plus strand): 5'-GCACTACAAGATCTGGTGCTATCTTCACCAAAGCCTATCAACGAATGGTGCTAGATGCAG[T>C]GACATTAAACAACTTGGAGATTTTTCTGAATGGAACAAATGGTTCTACTGAAGGAACCCT-3'
Protein context (NP_000170.1, residues 728-748): KAYQRMVLDA[Val738Ala]TLNNLEIFLN

ClinVar aggregate classification (germline): Uncertain significance. Review status: criteria provided, multiple submitters, no conflicts (2 of 4 stars). 2 submissions from 2 submitters: Uncertain significance (2). Last evaluated 2025-10-18.

Conditions:
Hereditary nonpolyposis colorectal neoplasms. Identifiers: MedGen C0009405, MeSH D003123.

Allele frequency attached by ClinVar (database versions not stated): gnomAD exomes below 0.00001.
gnomAD v4.1: 1 of 1,614,156 alleles (0.000062%); highest among the groups gnomAD compares: Middle Eastern, 0.016%; no homozygotes.

Submissions (2):

Labcorp Genetics (formerly Invitae), Labcorp
Classification: Uncertain significance for Hereditary nonpolyposis colorectal neoplasms. Last evaluated: 2025-10-18. Review status: criteria provided, single submitter. Criteria: Invitae Variant Classification Sherloc (09022015). Collection method: clinical testing. Allele origin: germline.
Comment: This sequence change replaces valine, which is neutral and non-polar, with alanine, which is neutral and non-polar, at codon 738 of the MSH6 protein (p.Val738Ala). This variant is not present in population databases (gnomAD no frequency). This variant has not been reported in the literature in individuals affected with MSH6-related conditions. ClinVar contains an entry for this variant (Variation ID: 1424982). Invitae Evidence Modeling of protein sequence and biophysical properties (such as structural, functional, and spatial information, amino acid conservation, physicochemical variation, residue mobility, and thermodynamic stability) indicates that this missense variant is not expected to disrupt MSH6 protein function with a negative predictive value of 95%. In summary, the available evidence is currently insufficient to determine the role of this variant in disease. Therefore, it has been classified as a Variant of Uncertain Significance.

Blueprint Genetics
Classification: Uncertain significance. Last evaluated: 2023-09-20. Review status: criteria provided, single submitter. Criteria: ACMG Guidelines, 2015. Collection method: clinical testing. Allele origin: germline.